The following is an entry in ClinVar:

NM_001377.3(DYNC2H1):c.7293-3T>C

Gene: DYNC2H1 (dynein cytoplasmic 2 heavy chain 1; plus strand). Cytogenetic location: 11q22.3.
Variant type: single nucleotide variant.
Coding change: c.7293-3T>C on transcript NM_001377.3 (MANE Select); 3 bases into the intron before coding-DNA position 7293, T replaced by C.
Molecular consequence: intron variant.
Genome position (GRCh38, 1-based): chr11:103,189,669, T>C. VCF-style: chr11-103189669-T-C. GRCh37 (hg19) VCF-style: chr11-103060398-T-C.
Other names: c.7293-3T>C (NM_001080463.2).
Identifiers: ClinVar variation 2173965 (VCV002173965.1), dbSNP rs763546994, ClinGen allele CA6254210.

ClinVar aggregate classification (germline): Uncertain significance (1 of 4 stars; one submission).

Conditions:
Jeune thoracic dystrophy. Also called: Infantile thoracic dystrophy; Thoracic pelvic phalangeal dystrophy; Jeune's syndrome; Chondroectodermal dysplasia-like syndrome; Short-rib thoracic dysplasia; Jeune syndrome. Identifiers: Orphanet 474, MedGen C0265275, MONDO:0018770.

Allele frequency attached by ClinVar (database versions not stated): TOPMed below 0.00001; ExAC 0.00003.
gnomAD v4.1: 6 of 1,611,256 alleles (0.00037%); highest among the groups gnomAD compares: Non-Finnish European, 0.00042%; no homozygotes.

Submission:

Labcorp Genetics (formerly Invitae), Labcorp
Classification: Uncertain significance for Jeune thoracic dystrophy. Last evaluated: 2022-04-23. Review status: criteria provided, single submitter. Criteria: Invitae Variant Classification Sherloc (09022015). Collection method: clinical testing. Allele origin: germline.
Comment: This sequence change falls in intron 44 of the DYNC2H1 gene. It does not directly change the encoded amino acid sequence of the DYNC2H1 protein. It affects a nucleotide within the consensus splice site. This variant is present in population databases (rs763546994, gnomAD 0.004%). This variant has not been reported in the literature in individuals affected with DYNC2H1-related conditions. Variants that disrupt the consensus splice site are a relatively common cause of aberrant splicing (PMID: 17576681, 9536098). Algorithms developed to predict the effect of sequence changes on RNA splicing suggest that this variant is not likely to affect RNA splicing. In summary, the available evidence is currently insufficient to determine the role of this variant in disease. Therefore, it has been classified as a Variant of Uncertain Significance.

Literature cited by the submitters: PubMed 17576681; PubMed 9536098.